The following is an entry in ClinVar:

ClinVar aggregate classification (germline): Benign (1 of 4 stars; one submission).

Allele frequency attached by ClinVar (database versions not stated): gnomAD 0.20340 and 0.20410; TOPMed 0.21043; 1000 Genomes Project 0.25339; 1000 Genomes Project 30x 0.25390.

Submission:

GeneDx
Classification: Benign. Last evaluated: 2018-06-19. Review status: criteria provided, single submitter. Criteria: GeneDx Variant Classification (06012015). Collection method: clinical testing. Allele origin: germline. Affected: yes.
Comment: This variant is considered likely benign or benign based on one or more of the following criteria: it is a conservative change, it occurs at a poorly conserved position in the protein, it is predicted to be benign by multiple in silico algorithms, and/or has population frequency not consistent with disease.

NM_005506.4(SCARB2):c.1114-299G>C

Gene: SCARB2 (scavenger receptor class B member 2; minus strand). Cytogenetic location: 4q21.1.
Variant type: single nucleotide variant.
Coding change: c.1114-299G>C on transcript NM_005506.4 (MANE Select); 299 bases into the intron before coding-DNA position 1114, G replaced by C.
Molecular consequence: intron variant.
Genome position (GRCh38, 1-based): chr4:76,168,775, C>G on the plus strand (G>C on the coding strand, the complement: SCARB2 is on the minus strand). VCF-style: chr4-76168775-C-G. GRCh37 (hg19) VCF-style: chr4-77089928-C-G.
Other names: c.685-299G>C (NM_001204255.2).
Identifiers: ClinVar variation 668981 (VCV000668981.1), dbSNP rs7679797, ClinGen allele CA15326804.